The following is an entry in ClinVar:

NM_206933.4(USH2A):c.2168-2A>C

Gene: USH2A (usherin; minus strand). Cytogenetic location: 1q41.
Variant type: single nucleotide variant.
Coding change: c.2168-2A>C on transcript NM_206933.4 (MANE Select); the canonical splice acceptor site of the intron before coding-DNA position 2168, A replaced by C.
Molecular consequence: splice acceptor variant.
Genome position (GRCh38, 1-based): chr1:216,247,228, T>G on the plus strand (A>C on the coding strand, the complement: USH2A is on the minus strand). VCF-style: chr1-216247228-T-G. GRCh37 (hg19) VCF-style: chr1-216420570-T-G.
Other names: c.2168-2A>C (NM_206933.2, NM_007123.6).
Identifiers: ClinVar variation 1367335 (VCV001367335.7), dbSNP rs993185407, ClinGen allele CA344865779.

ClinVar aggregate classification (germline): Pathogenic. Review status: criteria provided, multiple submitters, no conflicts (2 of 4 stars). 2 submissions from 2 submitters: Pathogenic (2). Last evaluated 2025-12-17.

Conditions:
Usher syndrome type 2A. Also called: RETINAL DISEASE IN USHER SYNDROME TYPE IIA, MODIFIER OF; USHER SYNDROME, TYPE IIA. Identifiers: Orphanet 231178, Orphanet 886, MedGen C1848634, MONDO:0010169, OMIM 276901.

Allele frequency attached by ClinVar (database versions not stated): TOPMed below 0.00001.

Submissions (2):

Labcorp Genetics (formerly Invitae), Labcorp
Classification: Pathogenic. Last evaluated: 2025-12-17. Review status: criteria provided, single submitter. Criteria: Invitae Variant Classification Sherloc (09022015). Collection method: clinical testing. Allele origin: germline.
Comment: This sequence change affects an acceptor splice site in intron 12 of the USH2A gene. It is expected to disrupt RNA splicing. Variants that disrupt the donor or acceptor splice site typically lead to a loss of protein function (PMID: 16199547), and loss-of-function variants in USH2A are known to be pathogenic (PMID: 10729113, 10909849, 20507924, 25649381). This variant is not present in population databases (gnomAD no frequency). Disruption of this splice site has been observed in individuals with Usher syndrome (PMID: 17405132, 28559085). ClinVar contains an entry for this variant (Variation ID: 1367335). Algorithms developed to predict the effect of sequence changes on RNA splicing suggest that this variant may disrupt the consensus splice site. For these reasons, this variant has been classified as Pathogenic.

Natera, Inc.
Classification: Pathogenic for Usher syndrome type 2A. Last evaluated: 2024-10-16. Review status: criteria provided, single submitter. Criteria: Natera Variant Classification Schema (03/2026). Collection method: clinical testing. Allele origin: germline.
Comment: The c.2168-2A>C variant in USH2A is a canonical splice acceptor site variant predicted to affect pre-mRNA splicing, which may result in an abnormal transcript and altered protein product. This variant is expected to result in nonsense mediated decay, truncation, or a dysfunctional protein product. This variant is rare in the general population with a frequency below the threshold expected for the associated phenotype(s). Another variant at this same site results in an alteration predicted to cause a similar molecular effect has been observed in individual(s) with the associated phenotype. Given the available evidence, this variant is classified as Pathogenic.

Literature cited by the submitters: PubMed 16199547 (cited by Labcorp Genetics (formerly Invitae), Labcorp); PubMed 10729113 (cited by Labcorp Genetics (formerly Invitae), Labcorp); PubMed 10909849 (cited by Labcorp Genetics (formerly Invitae), Labcorp); PubMed 20507924 (cited by Labcorp Genetics (formerly Invitae), Labcorp); PubMed 25649381 (cited by Labcorp Genetics (formerly Invitae), Labcorp); PubMed 17405132 (cited by Labcorp Genetics (formerly Invitae), Labcorp); PubMed 28559085 (cited by Labcorp Genetics (formerly Invitae), Labcorp).